The following is an entry in ClinVar:

ClinVar aggregate classification (germline): Uncertain significance (1 of 4 stars; one submission).

Conditions:
Charcot-Marie-Tooth disease type 4A. Also called: Charcot-Marie-Tooth disease, demyelinating, autosomal recessive, type 4a. Identifiers: Orphanet 99948, MedGen C1859198, MONDO:0008961, OMIM 214400.

gnomAD v4.1: 3 of 1,540,446 alleles (0.00019%); highest among the groups gnomAD compares: Non-Finnish European, 0.00027%; no homozygotes.

Submission:

Labcorp Genetics (formerly Invitae), Labcorp
Classification: Uncertain significance for Charcot-Marie-Tooth disease type 4A. Last evaluated: 2024-04-11. Review status: criteria provided, single submitter. Criteria: Invitae Variant Classification Sherloc (09022015). Collection method: clinical testing. Allele origin: germline.
Comment: This sequence change falls in intron 1 of the GDAP1 gene. It does not directly change the encoded amino acid sequence of the GDAP1 protein. It affects a nucleotide within the consensus splice site. The frequency data for this variant in the population databases is considered unreliable, as metrics indicate poor data quality at this position in the gnomAD database. This variant has not been reported in the literature in individuals affected with GDAP1-related conditions. Variants that disrupt the consensus splice site are a relatively common cause of aberrant splicing (PMID: 17576681, 9536098). Algorithms developed to predict the effect of sequence changes on RNA splicing suggest that this variant is not likely to affect RNA splicing. In summary, the available evidence is currently insufficient to determine the role of this variant in disease. Therefore, it has been classified as a Variant of Uncertain Significance.

Literature cited by the submitters: PubMed 17576681; PubMed 9536098.

NM_018972.4(GDAP1):c.117+4C>A

Genes: GDAP1 (ganglioside induced differentiation associated protein 1; plus strand), LOC130000622 (ATAC-STARR-seq lymphoblastoid active region 27542; plus strand). Cytogenetic location: 8q21.11.
Variant type: single nucleotide variant.
Coding change: c.117+4C>A on transcript NM_018972.4 (MANE Select); 4 bases into the intron after coding-DNA position 117, C replaced by A.
Molecular consequence: intron variant.
Genome position (GRCh38, 1-based): chr8:74,350,582, C>A. VCF-style: chr8-74350582-C-A. GRCh37 (hg19) VCF-style: chr8-75262817-C-A.
Other names: c.117+4C>A (NM_001362931.2, NM_001362930.2); c.-66+4C>A (NM_001362929.2); c.-18+4C>A (NM_001362932.2); c.-64+110C>A (NM_001040875.4).
Identifiers: ClinVar variation 3668559 (VCV003668559.2).